The following is an entry in ClinVar:

NM_021098.3(CACNA1H):c.5635G>A (p.Glu1879Lys)

Gene: CACNA1H (calcium voltage-gated channel subunit alpha1 H; plus strand). Cytogenetic location: 16p13.3.
Variant type: single nucleotide variant.
Coding change: c.5635G>A on transcript NM_021098.3 (MANE Select); coding-DNA position 5635, G replaced by A.
Protein change: p.Glu1879Lys; replaces glutamic acid 1879 with lysine.
Molecular consequence: missense variant.
Genome position (GRCh38, 1-based): chr16:1,218,399, G>A. VCF-style: chr16-1218399-G-A. GRCh37 (hg19) VCF-style: chr16-1268399-G-A.
Other names: c.5617G>A, p.Glu1873Lys (NM_001005407.2); short protein forms E1879K, E1873K.
Identifiers: ClinVar variation 529614 (VCV000529614.12), dbSNP rs377103385, ClinGen allele CA7802083.

ClinVar aggregate classification (germline): Uncertain significance. Review status: criteria provided, multiple submitters, no conflicts (2 of 4 stars). 3 submissions from 3 submitters: Uncertain significance (3). Last evaluated 2026-03-05.

Conditions:
Idiopathic generalized epilepsy. Also called: Generalised epilepsy; EIG. Identifiers: MedGen C0270850, MONDO:0005579, OMIM 600669.
Hyperaldosteronism, familial, type IV (HALD4). Also called: FH IV; ALDOSTERONISM, PRIMARY, AND HYPERTENSION. Identifiers: Orphanet 642671, MedGen C4310756, MONDO:0014875, OMIM 617027.
Epilepsy, childhood absence, susceptibility to, 6. Identifiers: Orphanet 64280, MedGen C2749872, MONDO:0012763, OMIM 611942.

Allele frequency attached by ClinVar (database versions not stated): gnomAD 0.00005; gnomAD exomes 0.00005; ExAC 0.00017; ESP Exome Variant Server 0.00016; TOPMed 0.00003; 1000 Genomes Project 30x 0.00016; 1000 Genomes Project 0.00020.
gnomAD v4.1: 33 of 1,558,020 alleles (0.0021%); highest among the groups gnomAD compares: South Asian, 0.0083%; no homozygotes.

Submissions (3):

GeneDx
Classification: Uncertain significance. Last evaluated: 2026-03-05. Review status: criteria provided, single submitter. Criteria: GeneDx Variant Classification Process June 2021. Collection method: clinical testing. Allele origin: germline.
Comment: In silico analysis supports that this missense variant has a deleterious effect on protein structure/function; Has not been previously published as pathogenic or benign to our knowledge

Labcorp Genetics (formerly Invitae), Labcorp
Classification: Uncertain significance for Idiopathic generalized epilepsy; Hyperaldosteronism, familial, type IV. Last evaluated: 2025-11-05. Review status: criteria provided, single submitter. Criteria: Invitae Variant Classification Sherloc (09022015). Collection method: clinical testing. Allele origin: germline.
Comment: This sequence change replaces glutamic acid, which is acidic and polar, with lysine, which is basic and polar, at codon 1879 of the CACNA1H protein (p.Glu1879Lys). This variant is present in population databases (rs377103385, gnomAD 0.02%). This variant has not been reported in the literature in individuals affected with CACNA1H-related conditions. ClinVar contains an entry for this variant (Variation ID: 529614). Invitae Evidence Modeling of protein sequence and biophysical properties (such as structural, functional, and spatial information, amino acid conservation, physicochemical variation, residue mobility, and thermodynamic stability) has been performed for this missense variant. However, the output from this modeling did not meet the statistical confidence thresholds required to predict the impact of this variant on CACNA1H protein function. In summary, the available evidence is currently insufficient to determine the role of this variant in disease. Therefore, it has been classified as a Variant of Uncertain Significance.

Fulgent Genetics
Classification: Uncertain significance for Epilepsy, childhood absence, susceptibility to, 6; Hyperaldosteronism, familial, type IV. Last evaluated: 2018-10-31. Review status: criteria provided, single submitter. Criteria: ACMG Guidelines, 2015. Collection method: clinical testing. Allele origin: unknown.